The following is an entry in ClinVar:

ClinVar aggregate classification (germline): Uncertain significance (1 of 4 stars; one submission).

Conditions:
Landau-Kleffner syndrome (FESD). Also called: EPILEPSY, FOCAL, WITH SPEECH DISORDER AND WITH OR WITHOUT MENTAL RETARDATION; APHASIA, ACQUIRED, WITH EPILEPSY. Identifiers: Orphanet 1945, Orphanet 725, Orphanet 98818, MedGen C0282512, MONDO:0009509, OMIM 245570.

Submission:

Labcorp Genetics (formerly Invitae), Labcorp
Classification: Uncertain significance for Landau-Kleffner syndrome. Last evaluated: 2024-11-05. Review status: criteria provided, single submitter. Criteria: Invitae Variant Classification Sherloc (09022015). Collection method: clinical testing. Allele origin: germline.
Comment: This sequence change replaces valine, which is neutral and non-polar, with leucine, which is neutral and non-polar, at codon 713 of the GRIN2A protein (p.Val713Leu). This variant is not present in population databases (gnomAD no frequency). This variant has not been reported in the literature in individuals affected with GRIN2A-related conditions. Invitae Evidence Modeling of protein sequence and biophysical properties (such as structural, functional, and spatial information, amino acid conservation, physicochemical variation, residue mobility, and thermodynamic stability) has been performed for this missense variant. However, the output from this modeling did not meet the statistical confidence thresholds required to predict the impact of this variant on GRIN2A protein function. In summary, the available evidence is currently insufficient to determine the role of this variant in disease. Therefore, it has been classified as a Variant of Uncertain Significance.

NM_001134407.3(GRIN2A):c.2137G>T (p.Val713Leu)

Gene: GRIN2A (glutamate ionotropic receptor NMDA type subunit 2A; minus strand). Cytogenetic location: 16p13.2.
Variant type: single nucleotide variant.
Coding change: c.2137G>T on transcript NM_001134407.3 (MANE Select); coding-DNA position 2137, G replaced by T.
Protein change: p.Val713Leu; replaces valine 713 with leucine.
Molecular consequence: missense variant.
Genome position (GRCh38, 1-based): chr16:9,822,295, C>A on the plus strand (G>T on the coding strand, the complement: GRIN2A is on the minus strand). VCF-style: chr16-9822295-C-A. GRCh37 (hg19) VCF-style: chr16-9916152-C-A.
Other names: c.2137G>T, p.Val713Leu (NM_000833.5, NM_001134408.2); short protein forms V713L.
Identifiers: ClinVar variation 3718722 (VCV003718722.2).
Genomic context (GRCh38, chr16:9,822,295, plus strand): 5'-TGTGGTGAAAAGGAAACTGCCATCCTTACCCCGTTTTCAGGCTGACCAAGGCGTCCTCTA[C>A]TCCTTTCTGATTAAATTTGGTCATGTACTGATGCATGTAGGGATAGTTATTCCGAATGTT-3'
Protein context (NP_001127879.1, residues 703-723): QYMTKFNQKG[Val713Leu]EDALVSLKTG